The following is an entry in ClinVar:

NM_025137.4(SPG11):c.3538C>G (p.Pro1180Ala)

Gene: SPG11 (SPG11 vesicle trafficking associated, spatacsin; minus strand). Cytogenetic location: 15q21.1.
Variant type: single nucleotide variant.
Coding change: c.3538C>G on transcript NM_025137.4 (MANE Select); coding-DNA position 3538, C replaced by G.
Protein change: p.Pro1180Ala; replaces proline 1180 with alanine.
Molecular consequence: missense variant.
Genome position (GRCh38, 1-based): chr15:44,600,615, G>C on the plus strand (C>G on the coding strand, the complement: SPG11 is on the minus strand). VCF-style: chr15-44600615-G-C. GRCh37 (hg19) VCF-style: chr15-44892813-G-C.
Other names: c.3538C>G, p.Pro1180Ala (NM_001160227.2); short protein forms P1180A.
Identifiers: ClinVar variation 1461545 (VCV001461545.6), dbSNP rs747910594, ClinGen allele CA392231332.

ClinVar aggregate classification (germline): Uncertain significance (1 of 4 stars; one submission).

Conditions:
Hereditary spastic paraplegia 11. Also called: Spastic Paraplegia 11; Nakamura Osame syndrome; Autosomal recessive hereditary spastic paraplegia, mental impairment, and thin corpus callosum; SPASTIC PARAPLEGIA, AUTOSOMAL RECESSIVE, COMPLICATED, WITH THIN CORPUS CALLOSUM; SPASTIC PARAPLEGIA, AUTOSOMAL RECESSIVE, WITH MENTAL IMPAIRMENT AND THIN CORPUS CALLOSUM; Spastic paraplegia, mental retardation and thin corpus callosum. Identifiers: Orphanet 2822, MedGen C1858479, MONDO:0011445, OMIM 604360.

Submission:

Labcorp Genetics (formerly Invitae), Labcorp
Classification: Uncertain significance for Hereditary spastic paraplegia 11. Last evaluated: 2021-08-04. Review status: criteria provided, single submitter. Criteria: Invitae Variant Classification Sherloc (09022015). Collection method: clinical testing. Allele origin: germline.
Comment: In summary, the available evidence is currently insufficient to determine the role of this variant in disease. Therefore, it has been classified as a Variant of Uncertain Significance. Algorithms developed to predict the effect of missense changes on protein structure and function are either unavailable or do not agree on the potential impact of this missense change (SIFT: "Tolerated"; PolyPhen-2: "Possibly Damaging"; Align-GVGD: "Class C0"). This variant has not been reported in the literature in individuals affected with SPG11-related conditions. This variant is not present in population databases (ExAC no frequency). This sequence change replaces proline with alanine at codon 1180 of the SPG11 protein (p.Pro1180Ala). The proline residue is highly conserved and there is a small physicochemical difference between proline and alanine.